The following is an entry in ClinVar:

NM_014946.4(SPAST):c.1245+1G>A

Gene: SPAST (spastin; plus strand). Cytogenetic location: 2p22.3.
Variant type: single nucleotide variant.
Coding change: c.1245+1G>A on transcript NM_014946.4 (MANE Select); the canonical splice donor site of the intron after coding-DNA position 1245, G replaced by A.
Molecular consequence: splice donor variant.
Genome position (GRCh38, 1-based): chr2:32,128,480, G>A. VCF-style: chr2-32128480-G-A. GRCh37 (hg19) VCF-style: chr2-32353549-G-A.
Other names: c.1149+1G>A (NM_199436.2, NM_001377959.1); c.1242+1G>A (NM_001363823.2); c.1146+1G>A (NM_001363875.2).
Identifiers: ClinVar variation 226113 (VCV000226113.76), dbSNP rs875989878, ClinGen allele CA10576248.

ClinVar aggregate classification (germline): Pathogenic. Review status: criteria provided, multiple submitters, no conflicts (2 of 4 stars). 19 submissions from 19 submitters: Pathogenic (17). 2 of the submissions do not count toward it. Last evaluated 2025-07-08.

Conditions:
SPAST-related disorder. Also called: SPAST-related condition.
Inborn genetic diseases. Identifiers: MedGen C0950123, MeSH D030342.
SPAST-related spastic paraplegia.
Hereditary spastic paraplegia. Also called: Familial spastic paraparesis. Identifiers: Orphanet 685, MedGen C0037773, MONDO:0019064. Disease mechanism: loss of function.
Hereditary spastic paraplegia 4. Also called: Familial spastic paraplegia autosomal dominant 2; Spastic paraplegia 4, autosomal dominant; Spastic Paraplegia 4. Identifiers: Orphanet 100985, MedGen C1866855, MONDO:0008438, OMIM 182601.

Allele frequency attached by ClinVar (database versions not stated): gnomAD 0.00001.

Submissions 1 to 12 of 19:

Labcorp Genetics (formerly Invitae), Labcorp
Classification: Pathogenic for Hereditary spastic paraplegia 4. Last evaluated: 2025-07-08. Review status: criteria provided, single submitter. Criteria: Invitae Variant Classification Sherloc (09022015). Collection method: clinical testing. Allele origin: germline.
Comment: This sequence change affects a donor splice site in intron 9 of the SPAST gene. RNA analysis indicates that disruption of this splice site induces altered splicing and likely results in a shortened protein product. This variant is not present in population databases (gnomAD no frequency). Disruption of this splice site has been observed in individuals with hereditary spastic paraplegia (HSP) (PMID: 11309678, 22552817, 22960362, 26600529). Invitae Evidence Modeling of clinical and family history, age, sex, and reported ancestry of multiple individuals with this SPAST variant has been performed. This variant is expected to be pathogenic with a positive predictive value of at least 99%. This is a validated machine learning model that incorporates the clinical features of 4,195 individuals referred to our laboratory for SPAST testing. This variant is also known as IVS9+1G>A. ClinVar contains an entry for this variant (Variation ID: 226113). Studies have shown that disruption of this splice site results in skipping of 9, but is expected to preserve the integrity of the reading-frame (PMID: 11309678, 26600529). For these reasons, this variant has been classified as Pathogenic.

GeneDx
Classification: Pathogenic. Last evaluated: 2025-07-03. Review status: criteria provided, single submitter. Criteria: GeneDx Variant Classification Process June 2021. Collection method: clinical testing. Allele origin: germline. Affected: yes.
Comment: RNA studies demonstrate a damaging effect: skipping of in-frame exon 9 with complete effect, including part of the critical AAA ATPase domain (PMID: 38145127, 21139634, 26094131); Not observed at significant frequency in large population cohorts (gnomAD); This variant is associated with the following publications: (PMID: 31227335, 25525159, 11309678, 31630374, 29980238, 19875132, 26600529, 22552817, 22960362, 34983064, 31594988, 37251230, 38145127, 38693247, 21139634, 26094131)

Dubai Health Genomic Medicine Center, Dubai Health
Classification: Pathogenic for Spastic paraplegia 4. Last evaluated: 2024-10-04. Review status: criteria provided, single submitter. Criteria: ACMG Guidelines, 2015. Collection method: research. Allele origin: germline. Affected: yes.
Comment: PVS1,PS3,PM2

Blueprint Genetics
Classification: Pathogenic for SPAST-related disorders. Last evaluated: 2024-09-17. Review status: criteria provided, single submitter. Criteria: ACMG Guidelines, 2015. Collection method: clinical testing. Allele origin: germline. Affected: yes. Observed: 5 variant alleles.

Molecular Genetics, Royal Melbourne Hospital
Classification: Pathogenic for Hereditary spastic paraplegia 4. Last evaluated: 2024-02-05. Review status: criteria provided, single submitter. Criteria: ACMG Guidelines, 2015. Collection method: clinical testing. Allele origin: germline. Inheritance: Autosomal dominant inheritance. Affected: yes.
Comment: This sequence change in SPAST occurs within the canonical splice donor site of intron 9. It is predicted to cause skipping of biologically relevant exon 9/17, resulting in an in-frame deletion (removes amino acids 392-415) that is expected to escape nonsense-mediated decay and remove part of the AAA ATPase domain which is critical for protein function (PMID: 26094131). This prediction is confirmed by RNA assays in patient cells and minigene assays (PMID: 11309678, 26600529). This variant is present in a single African/African American individual in the population database gnomAD v4.0 (1/56,710 alleles). This variant has been reported in multiple individuals with pure hereditary spastic paraplegia (HSP) and segregates with HSP in multiple families (PMID: 11309678, 21834905, 22552817, 26600529; ClinVar: SCV000268514.1, SCV001190276.1, SCV001450963.1, SCV002105589.1). Based on the classification scheme RMH Modified ACMG/AMP Guidelines v1.6.1, this variant is classified as PATHOGENIC. Following criteria are met: PVS1_Strong, PP1_Strong, PS4_Moderate, PM2_Supporting.

Women's Health and Genetics/Laboratory Corporation of America, LabCorp
Classification: Pathogenic for Hereditary spastic paraplegia 4. Last evaluated: 2023-07-14. Review status: criteria provided, single submitter. Criteria: LabCorp Variant Classification Summary - May 2015. Collection method: clinical testing. Allele origin: germline.
Comment: Variant summary: SPAST c.1245+1G>A is located in a canonical splice-site and is predicted to affect mRNA splicing resulting in a significantly altered protein due to either exon skipping, shortening, or inclusion of intronic material. Several computational tools predict a significant impact on normal splicing: Three predict the variant abolishes a canonical 5' splicing donor site. At least one publication reports experimental evidence that this variant indeed affects mRNA splicing and results in the skipping of exon 9 (Svenson_2001). The variant was absent in 251070 control chromosomes (gnomAD). c.1245+1G>A has been reported in the literature in multiple individuals affected with Spastic Paraplegia 4, including four individuals from an Italian family where it was inherited in an autosomal dominant manner (eg. Svenson_2001, Nanetti_2012, Fei_2011, Zhao_2019). These data indicate that the variant is very likely to be associated with disease. The following publications have been ascertained in the context of this evaluation (PMID: 21834905, 22960362, 11309678, 31630374). Twelve submitters have cited clinical-significance assessments for this variant to ClinVar after 2014 and all classified the variant as pathogenic (n=11)/likely pathogenic (n=1). Based on the evidence outlined above, the variant was classified as pathogenic.

Athena Diagnostics
Classification: Pathogenic. Last evaluated: 2023-06-15. Review status: criteria provided, single submitter. Criteria: Athena Diagnostics Criteria. Collection method: clinical testing. Allele origin: unknown.
Comment: The frequency of this variant in the general population is consistent with pathogenicity. This variant is not expected to cause loss of protein expression through nonsense-mediated decay, however, similar variants in this region have been associated with disease, and therefore, this variant is also expected to associate with disease. This variant has been identified in multiple unrelated individuals with clinical features associated with this gene. The variant is located in a region that is considered important for protein function and/or structure.

3billion
Classification: Pathogenic for Hereditary spastic paraplegia 4. Last evaluated: 2022-03-22. Review status: criteria provided, single submitter. Criteria: ACMG Guidelines, 2015. Collection method: clinical testing. Allele origin: germline. Affected: yes. Observed: 1 heterozygote.
Comment: Canonical splice site: predicted to alter splicing and result in a loss or disruption of normal protein function through nonsense-mediated decay (NMD) or protein truncation. Multiple pathogenic variants are reported downstream of the variant.It is not observed in the gnomAD v2.1.1 dataset. The variant has been reported at least twice as pathogenic/likely pathogenic with clinical assertions and evidence for the classification (ClinVar ID: VCV000226113). Therefore, this variant is classified as pathogenic according to the recommendation of ACMG/AMP guideline.

CeGaT Center for Human Genetics Tuebingen
Classification: Pathogenic. Last evaluated: 2021-06-01. Review status: criteria provided, single submitter. Criteria: CeGaT Center For Human Genetics Tuebingen Variant Classification Criteria Version 2. Collection method: clinical testing. Allele origin: germline. Affected: yes. Observed: 2 variant alleles.

Illumina Laboratory Services, Illumina
Classification: Pathogenic for SPAST-related spastic paraplegia. Last evaluated: 2021-04-05. Review status: criteria provided, single submitter. Criteria: ICSLVariantClassificationCriteria RUGD 01 April 2020. Collection method: clinical testing. Allele origin: unknown.
Comment: The SPAST c.1245+1G>A variant occurs in a canonical splice site (donor) and is therefore predicted to disrupt the normal gene product. Across a selection of the available literature, the c.1245+1G>A variant has been reported in at least four unrelated individuals affected with hereditary spastic paraplegia (Svenson et al. 2001; Magariello et al. 2010; Nanetti et al. 2012; Zhao et al. 2015). The variant was found to segregate among other affected family members (Svenson et al. 2001; Nanetti et al. 2012; Zhao et al. 2015). The age of onset varied from 4-50 years and clinical features included lower limb stiffness, spastic gait and walking difficulty, among others. The variant is not reported in the Genome Aggregation Database in a region of good sequence coverage, suggesting that it is a rare variant. Experimental studies have shown this variant to result in skipping of exon 9, which encodes for part of the critical ATPase AAA domain of the protein (Svenson et al. 2001). Based on the collective evidence and application of the ACMG criteria, the c.1245+1G>A variant is classified as pathogenic for hereditary spastic paraplegia.

Institute of Medical Genetics and Applied Genomics, University Hospital Tübingen
Classification: Pathogenic. Last evaluated: 2021-02-01. Review status: criteria provided, single submitter. Criteria: ACMG Guidelines, 2015. Collection method: clinical testing. Allele origin: germline. Inheritance: Autosomal dominant inheritance. Affected: yes.

Mayo Clinic Laboratories, Mayo Clinic
Classification: Pathogenic. Last evaluated: 2020-04-13. Review status: criteria provided, single submitter. Criteria: ACMG Guidelines, 2015. Collection method: clinical testing. Allele origin: germline. Observed: 1 variant allele.
Comment: PVS1, PS3, PS4_moderate, PM1, PM2, PP4